The following is an entry in ClinVar:

NM_020376.4(PNPLA2):c.1478C>T (p.Pro493Leu)

Gene: PNPLA2 (patatin like domain 2, triacylglycerol lipase; plus strand). Cytogenetic location: 11p15.5.
Variant type: single nucleotide variant.
Coding change: c.1478C>T on transcript NM_020376.4 (MANE Select); coding-DNA position 1478, C replaced by T.
Protein change: p.Pro493Leu; replaces proline 493 with leucine.
Molecular consequence: missense variant.
Genome position (GRCh38, 1-based): chr11:824,825, C>T. VCF-style: chr11-824825-C-T. GRCh37 (hg19) VCF-style: chr11-824825-C-T.
Other names: short protein forms P493L.
Identifiers: ClinVar variation 1491594 (VCV001491594.8), dbSNP rs995158737, ClinGen allele CA216972492.

ClinVar aggregate classification (germline): Uncertain significance. Review status: criteria provided, multiple submitters, no conflicts (2 of 4 stars). 2 submissions from 2 submitters: Uncertain significance (2). Last evaluated 2022-06-13.

Conditions:
Neutral lipid storage myopathy (NLSDM). Also called: NEUTRAL LIPID STORAGE DISEASE WITHOUT ICHTHYOSIS. Identifiers: Orphanet 98908, MedGen C1853136, MONDO:0012545, OMIM 610717.

Allele frequency attached by ClinVar (database versions not stated): gnomAD 0.00001; gnomAD exomes 0.00001; TOPMed 0.00002.
gnomAD v4.1: 3 of 1,534,844 alleles (0.0002%); highest among the groups gnomAD compares: African/African-American, 0.0041%; no homozygotes.

Submissions (2):

Labcorp Genetics (formerly Invitae), Labcorp
Classification: Uncertain significance for Neutral lipid storage myopathy. Last evaluated: 2022-06-13. Review status: criteria provided, single submitter. Criteria: Invitae Variant Classification Sherloc (09022015). Collection method: clinical testing. Allele origin: germline.
Comment: This sequence change replaces proline, which is neutral and non-polar, with leucine, which is neutral and non-polar, at codon 493 of the PNPLA2 protein (p.Pro493Leu). The frequency data for this variant in the population databases is considered unreliable, as metrics indicate poor data quality at this position in the gnomAD database. This variant has not been reported in the literature in individuals affected with PNPLA2-related conditions. Algorithms developed to predict the effect of missense changes on protein structure and function output the following: SIFT: "Tolerated"; PolyPhen-2: "Benign"; Align-GVGD: "Class C0". The leucine amino acid residue is found in multiple mammalian species, which suggests that this missense change does not adversely affect protein function. In summary, the available evidence is currently insufficient to determine the role of this variant in disease. Therefore, it has been classified as a Variant of Uncertain Significance.

Revvity Omics, Revvity
Classification: Uncertain significance for Neutral lipid storage myopathy. Last evaluated: 2021-06-01. Review status: criteria provided, single submitter. Criteria: ACMG Guidelines, 2015. Collection method: clinical testing. Allele origin: germline.